The following is an entry in ClinVar:

ClinVar aggregate classification (germline): Uncertain significance (1 of 4 stars; one submission).

Conditions:
Dyskeratosis congenita. Identifiers: Orphanet 1775, MedGen C0265965, MONDO:0015780.

Submission:

Labcorp Genetics (formerly Invitae), Labcorp
Classification: Uncertain significance for Dyskeratosis congenita. Last evaluated: 2022-03-01. Review status: criteria provided, single submitter. Criteria: Invitae Variant Classification Sherloc (09022015). Collection method: clinical testing. Allele origin: germline.
Comment: In summary, the available evidence is currently insufficient to determine the role of this variant in disease. Therefore, it has been classified as a Variant of Uncertain Significance. Algorithms developed to predict the effect of missense changes on protein structure and function are either unavailable or do not agree on the potential impact of this missense change (SIFT: "Deleterious"; PolyPhen-2: "Possibly Damaging"; Align-GVGD: "Class C0"). This variant has not been reported in the literature in individuals affected with CTC1-related conditions. This variant is not present in population databases (gnomAD no frequency). This sequence change replaces proline, which is neutral and non-polar, with leucine, which is neutral and non-polar, at codon 1174 of the CTC1 protein (p.Pro1174Leu).

NM_025099.6(CTC1):c.3521C>T (p.Pro1174Leu)

Gene: CTC1 (CST telomere replication complex component 1; minus strand). Cytogenetic location: 17p13.1.
Variant type: single nucleotide variant.
Coding change: c.3521C>T on transcript NM_025099.6 (MANE Select); coding-DNA position 3521, C replaced by T.
Protein change: p.Pro1174Leu; replaces proline 1174 with leucine.
Molecular consequence: missense variant. On other transcripts: non-coding transcript variant (1).
Genome position (GRCh38, 1-based): chr17:8,228,313, G>A on the plus strand (C>T on the coding strand, the complement: CTC1 is on the minus strand). VCF-style: chr17-8228313-G-A. GRCh37 (hg19) VCF-style: chr17-8131631-G-A.
Other names: c.3290C>T, p.Pro1097Leu (NM_001411067.1); short protein forms P1174L, P1097L.
Identifiers: ClinVar variation 2104937 (VCV002104937.4), dbSNP rs2507859223, ClinGen allele CA397968030.